The following is an entry in ClinVar:

ClinVar aggregate classification (germline): Uncertain significance (1 of 4 stars; one submission).

Conditions:
Inborn genetic diseases. Identifiers: MedGen C0950123, MeSH D030342.

Allele frequency attached by ClinVar (database versions not stated): gnomAD exomes 0.00001; TOPMed 0.00002; ExAC 0.00005.

Submission:

Ambry Genetics
Classification: Uncertain significance for Inborn genetic diseases. Last evaluated: 2020-09-30. Review status: criteria provided, single submitter. Criteria: Ambry Variant Classification Scheme 2023. Collection method: clinical testing. Allele origin: germline.
Comment: The p.R102W variant (also known as c.304C>T), located in coding exon 1 of the MID1 gene, results from a C to T substitution at nucleotide position 304. The arginine at codon 102 is replaced by tryptophan, an amino acid with dissimilar properties. Based on data from gnomAD, the T allele has an overall frequency of <0.01% (8/181952) total alleles studied, with 1 hemizygote(s) observed. The highest observed frequency was 0.01% (2/13850) of Latino alleles. This amino acid position is highly conserved in available vertebrate species. In addition, the in silico prediction for this alteration is inconclusive. Since supporting evidence is limited at this time, the clinical significance of this alteration remains unclear.

NM_000381.4(MID1):c.304C>T (p.Arg102Trp)

Gene: MID1 (midline 1; minus strand). Cytogenetic location: Xp22.2.
Variant type: single nucleotide variant.
Coding change: c.304C>T on transcript NM_000381.4 (MANE Select); coding-DNA position 304, C replaced by T.
Protein change: p.Arg102Trp; replaces arginine 102 with tryptophan.
Molecular consequence: missense variant.
Genome position (GRCh38, 1-based): chrX:10,567,244, G>A on the plus strand (C>T on the coding strand, the complement: MID1 is on the minus strand). VCF-style: chrX-10567244-G-A. GRCh37 (hg19) VCF-style: chrX-10535284-G-A.
Other names: c.304C>T, p.Arg102Trp (NM_001098624.2, NM_001193277.1, NM_001193278.1 and 5 more transcripts); short protein forms R102W.
Identifiers: ClinVar variation 1799245 (VCV001799245.2), dbSNP rs756170550, ClinGen allele CA10347708.